The following is an entry in ClinVar:

NM_018359.5(UFSP2):c.353A>G (p.Asp118Gly)

Genes: CFAP96 (cilia and flagella associated protein 96; plus strand), UFSP2 (UFM1 specific peptidase 2; minus strand). Cytogenetic location: 4q35.1.
Variant type: single nucleotide variant.
Coding change: c.353A>G on transcript NM_018359.5 (MANE Select); coding-DNA position 353, A replaced by G.
Protein change: p.Asp118Gly; replaces aspartic acid 118 with glycine.
Molecular consequence: missense variant. On other transcripts: non-coding transcript variant (2).
Genome position (GRCh38, 1-based): chr4:185,415,848, T>C on the plus strand (A>G on the coding strand, the complement: UFSP2 is on the minus strand). VCF-style: chr4-185415848-T-C. GRCh37 (hg19) VCF-style: chr4-186337002-T-C.
Other names: short protein forms D118G.
Identifiers: ClinVar variation 3629934 (VCV003629934.1).

ClinVar aggregate classification (germline): Uncertain significance (1 of 4 stars; one submission).

gnomAD v4.1: 3 of 1,613,484 alleles (0.00019%); highest among the groups gnomAD compares: Non-Finnish European, 0.00025%; no homozygotes.

Submission:

Women's Health and Genetics/Laboratory Corporation of America, LabCorp
Classification: Uncertain significance. Last evaluated: 2024-11-21. Review status: criteria provided, single submitter. Criteria: LabCorp Variant Classification Summary - May 2015. Collection method: clinical testing. Allele origin: germline.
Comment: Variant summary: UFSP2 c.353A>G (p.Asp118Gly) results in a non-conservative amino acid change located in the Ubiquitin-fold modifier 1 specific protease 2, N-terminal domain (IPR049387) of the encoded protein sequence. Three of five in-silico tools predict a benign effect of the variant on protein function. The variant allele was found at a frequency of 4e-06 in 250852 control chromosomes. The available data on variant occurrences in the general population are insufficient to allow any conclusion about variant significance. To our knowledge, no occurrence of c.353A>G in individuals affected with UFSP2-Related Disorders and no experimental evidence demonstrating its impact on protein function have been reported. No submitters have cited clinical-significance assessments for this variant to ClinVar. Based on the evidence outlined above, the variant was classified as uncertain significance.